The following is an entry in ClinVar:

NM_021625.5(TRPV4):c.125G>A (p.Gly42Glu)

Gene: TRPV4 (transient receptor potential cation channel subfamily V member 4; minus strand). Cytogenetic location: 12q24.11.
Variant type: single nucleotide variant.
Coding change: c.125G>A on transcript NM_021625.5 (MANE Select); coding-DNA position 125, G replaced by A.
Protein change: p.Gly42Glu; replaces glycine 42 with glutamic acid.
Molecular consequence: missense variant. On other transcripts: intron variant (1).
Genome position (GRCh38, 1-based): chr12:109,814,672, C>T on the plus strand (G>A on the coding strand, the complement: TRPV4 is on the minus strand). VCF-style: chr12-109814672-C-T. GRCh37 (hg19) VCF-style: chr12-110252477-C-T.
Other names: c.125G>A, p.Gly42Glu (NM_001177428.2, NM_001177433.2, NM_147204.3); c.79+46G>A (NM_001177431.1); short protein forms G42E.
Identifiers: ClinVar variation 2699826 (VCV002699826.3), dbSNP rs140171425, ClinGen allele CA386660758.

ClinVar aggregate classification (germline): Uncertain significance (1 of 4 stars; one submission).

Conditions:
Charcot-Marie-Tooth disease axonal type 2C (HMSN2C). Also called: CHARCOT-MARIE-TOOTH DISEASE, AXONAL, AUTOSOMAL DOMINANT, TYPE 2C; Charcot-Marie-Tooth Neuropathy Type 2C; Charcot-Marie-Tooth Disease Type 2, TRPV4-Related (CMT2C). Identifiers: Orphanet 99937, MedGen C1853710, MONDO:0011633, OMIM 606071.

gnomAD v4.1: 1 of 1,612,980 alleles (0.000062%); highest among the groups gnomAD compares: Non-Finnish European, 0.000085%; no homozygotes.

Submission:

Labcorp Genetics (formerly Invitae), Labcorp
Classification: Uncertain significance for Charcot-Marie-Tooth disease axonal type 2C. Last evaluated: 2023-11-30. Review status: criteria provided, single submitter. Criteria: Invitae Variant Classification Sherloc (09022015). Collection method: clinical testing. Allele origin: germline.
Comment: This sequence change replaces glycine, which is neutral and non-polar, with glutamic acid, which is acidic and polar, at codon 42 of the TRPV4 protein (p.Gly42Glu). This variant is not present in population databases (gnomAD no frequency). This variant has not been reported in the literature in individuals affected with TRPV4-related conditions. Advanced modeling of protein sequence and biophysical properties (such as structural, functional, and spatial information, amino acid conservation, physicochemical variation, residue mobility, and thermodynamic stability) performed at Invitae indicates that this missense variant is not expected to disrupt TRPV4 protein function with a negative predictive value of 95%. In summary, the available evidence is currently insufficient to determine the role of this variant in disease. Therefore, it has been classified as a Variant of Uncertain Significance.